The following is an entry in ClinVar:

NM_000257.4(MYH7):c.797-1G>A

Gene: MYH7 (myosin heavy chain 7; minus strand). Cytogenetic location: 14q11.2.
Variant type: single nucleotide variant.
Coding change: c.797-1G>A on transcript NM_000257.4 (MANE Select); the canonical splice acceptor site of the intron before coding-DNA position 797, G replaced by A.
Molecular consequence: splice acceptor variant.
Genome position (GRCh38, 1-based): chr14:23,431,000, C>T on the plus strand (G>A on the coding strand, the complement: MYH7 is on the minus strand). VCF-style: chr14-23431000-C-T. GRCh37 (hg19) VCF-style: chr14-23900209-C-T.
Other names: c.797-1G>A (NM_001407004.1).
Identifiers: ClinVar variation 654425 (VCV000654425.7), dbSNP rs112639546, ClinGen allele CA389052028.

ClinVar aggregate classification (germline): Uncertain significance (1 of 4 stars; one submission).

Conditions:
Hypertrophic cardiomyopathy. Also called: HYPERTROPHIC MYOCARDIOPATHY. Identifiers: Orphanet 217569, MedGen C0007194, MeSH D002312, MONDO:0005045, HP:0001639.

Submission:

Labcorp Genetics (formerly Invitae), Labcorp
Classification: Uncertain significance for Hypertrophic cardiomyopathy. Last evaluated: 2018-11-06. Review status: criteria provided, single submitter. Criteria: Invitae Variant Classification Sherloc (09022015). Collection method: clinical testing. Allele origin: germline.
Comment: This sequence change affects an acceptor splice site in intron 9 of the MYH7 gene. It is expected to disrupt RNA splicing and likely results in an absent or disrupted protein product. In summary, the available evidence is currently insufficient to determine the role of this variant in disease. Therefore, it has been classified as a Variant of Uncertain Significance. The current clinical and genetic evidence is not sufficient to establish whether loss-of-function variants in MYH7 cause disease. Algorithms developed to predict the effect of sequence changes on RNA splicing suggest that this variant may disrupt the consensus splice site, but this prediction has not been confirmed by published transcriptional studies. This variant has not been reported in the literature in individuals with MYH7-related disease. This variant is not present in population databases (ExAC no frequency).